The following is an entry in ClinVar:

ClinVar aggregate classification (germline): Likely benign. Review status: criteria provided, single submitter (1 of 4 stars). 2 submissions from 2 submitters: Likely benign (1). 1 of the submissions does not count toward it. Last evaluated 2025-05-15.

Conditions:
SNRNP200-related disorder. Also called: SNRNP200-related condition.

Allele frequency attached by ClinVar (database versions not stated): gnomAD exomes 0.00002 and 0.00007; ExAC 0.00003; TOPMed 0.00010; gnomAD 0.00013 and 0.00014.
gnomAD v4.1: 45 of 1,613,834 alleles (0.0028%); highest among the groups gnomAD compares: Admixed American, 0.057%; no homozygotes.

Submissions (2):

Labcorp Genetics (formerly Invitae), Labcorp
Classification: Likely benign. Last evaluated: 2025-05-15. Review status: criteria provided, single submitter. Criteria: Invitae Variant Classification Sherloc (09022015). Collection method: clinical testing. Allele origin: germline.

PreventionGenetics, part of Exact Sciences
Classification: Likely benign for SNRNP200-related condition. Last evaluated: 2024-08-23. Review status: no assertion criteria provided. Collection method: clinical testing. Allele origin: germline. Not counted in ClinVar's aggregate classification.
Comment: This variant is classified as likely benign based on ACMG/AMP sequence variant interpretation guidelines (Richards et al. 2015 PMID: 25741868, with internal and published modifications).

NM_014014.5(SNRNP200):c.45+8T>C

Gene: SNRNP200 (small nuclear ribonucleoprotein U5 subunit 200; minus strand). Cytogenetic location: 2q11.2.
Variant type: single nucleotide variant.
Coding change: c.45+8T>C on transcript NM_014014.5 (MANE Select); 8 bases into the intron after coding-DNA position 45, T replaced by C.
Molecular consequence: intron variant.
Genome position (GRCh38, 1-based): chr2:96,305,385, A>G on the plus strand (T>C on the coding strand, the complement: SNRNP200 is on the minus strand). VCF-style: chr2-96305385-A-G. GRCh37 (hg19) VCF-style: chr2-96971123-A-G.
Other names: c.45+8T>C (NM_014014.4).
Identifiers: ClinVar variation 1129903 (VCV001129903.10), dbSNP rs757020773, ClinGen allele CA1779289.